The following is an entry in ClinVar:

NM_005121.3(MED13):c.3806-4G>A

Gene: MED13 (mediator complex subunit 13; minus strand). Cytogenetic location: 17q23.2.
Variant type: single nucleotide variant.
Coding change: c.3806-4G>A on transcript NM_005121.3 (MANE Select); 4 bases into the intron before coding-DNA position 3806, G replaced by A.
Molecular consequence: intron variant.
Genome position (GRCh38, 1-based): chr17:61,972,892, C>T on the plus strand (G>A on the coding strand, the complement: MED13 is on the minus strand). VCF-style: chr17-61972892-C-T. GRCh37 (hg19) VCF-style: chr17-60050253-C-T.
Identifiers: ClinVar variation 4821936 (VCV004821936.4).

ClinVar aggregate classification (germline): Likely benign (1 of 4 stars; one submission).

gnomAD v4.1: 13 of 1,567,950 alleles (0.00083%); highest among the groups gnomAD compares: Non-Finnish European, 0.0011%; no homozygotes.

Submission:

CeGaT Center for Human Genetics Tuebingen
Classification: Likely benign. Last evaluated: 2026-03-01. Review status: criteria provided, single submitter. Criteria: CeGaT Center For Human Genetics Tuebingen Variant Classification Criteria Version 2. Collection method: clinical testing. Allele origin: germline. Affected: yes. Observed: 1 variant allele.
Comment: MED13: BP4, BS2